The following is an entry in ClinVar:

ClinVar aggregate classification (germline): Uncertain significance. Review status: criteria provided, multiple submitters, no conflicts (2 of 4 stars). 2 submissions from 2 submitters: Uncertain significance (2). Last evaluated 2025-03-29.

Conditions:
Colorectal cancer, hereditary nonpolyposis, type 7. Identifiers: Orphanet 144, MedGen C1858380, MONDO:0013725, OMIM 614385.

Allele frequency attached by ClinVar (database versions not stated): gnomAD exomes below 0.00001.
gnomAD v4.1: 2 of 1,613,848 alleles (0.00012%); highest among the groups gnomAD compares: Middle Eastern, 0.016%; no homozygotes.

Submissions (2):

Ambry Genetics
Classification: Uncertain significance. Last evaluated: 2025-03-29. Review status: criteria provided, single submitter. Criteria: Ambry Variant Classification Scheme 2023. Collection method: clinical testing. Allele origin: germline.
Comment: The p.P1261S variant (also known as c.3781C>T), located in coding exon 7 of the MLH3 gene, results from a C to T substitution at nucleotide position 3781. The proline at codon 1261 is replaced by serine, an amino acid with similar properties. This amino acid position is conserved. In addition, the in silico prediction for this alteration is inconclusive. Based on the available evidence, the clinical significance of this variant remains unclear.

Labcorp Genetics (formerly Invitae), Labcorp
Classification: Uncertain significance for Colorectal cancer, hereditary nonpolyposis, type 7. Last evaluated: 2020-04-16. Review status: criteria provided, single submitter. Criteria: Invitae Variant Classification Sherloc (09022015). Collection method: clinical testing. Allele origin: germline.
Comment: This sequence change replaces proline with serine at codon 1261 of the MLH3 protein (p.Pro1261Ser). The proline residue is highly conserved and there is a moderate physicochemical difference between proline and serine. This variant is not present in population databases (ExAC no frequency). This variant has not been reported in the literature in individuals with MLH3-related conditions. Algorithms developed to predict the effect of missense changes on protein structure and function are either unavailable or do not agree on the potential impact of this missense change (SIFT: "Deleterious"; PolyPhen-2: "Probably Damaging"; Align-GVGD: "Class C0"). In summary, the available evidence is currently insufficient to determine the role of this variant in disease. Therefore, it has been classified as a Variant of Uncertain Significance.

NM_001040108.2(MLH3):c.3781C>T (p.Pro1261Ser)

Gene: MLH3 (mutL homolog 3; minus strand). Cytogenetic location: 14q24.3.
Variant type: single nucleotide variant.
Coding change: c.3781C>T on transcript NM_001040108.2 (MANE Select); coding-DNA position 3781, C replaced by T.
Protein change: p.Pro1261Ser; replaces proline 1261 with serine.
Molecular consequence: missense variant.
Genome position (GRCh38, 1-based): chr14:75,032,114, G>A on the plus strand (C>T on the coding strand, the complement: MLH3 is on the minus strand). VCF-style: chr14-75032114-G-A. GRCh37 (hg19) VCF-style: chr14-75498817-G-A.
Other names: c.3709C>T, p.Pro1237Ser (NM_014381.3); short protein forms P1261S, P1237S.
Identifiers: ClinVar variation 843722 (VCV000843722.10), dbSNP rs1891088976, ClinGen allele CA390424896.